The following is an entry in ClinVar:

NM_178013.4(PRIMA1):c.44C>A (p.Ser15Tyr)

Gene: PRIMA1 (proline rich membrane anchor 1; minus strand). Cytogenetic location: 14q32.12.
Variant type: single nucleotide variant.
Coding change: c.44C>A on transcript NM_178013.4 (MANE Select); coding-DNA position 44, C replaced by A.
Protein change: p.Ser15Tyr; replaces serine 15 with tyrosine.
Molecular consequence: missense variant.
Genome position (GRCh38, 1-based): chr14:93,787,675, G>T on the plus strand (C>A on the coding strand, the complement: PRIMA1 is on the minus strand). VCF-style: chr14-93787675-G-T. GRCh37 (hg19) VCF-style: chr14-94254021-G-T.
Other names: short protein forms S15Y.
Identifiers: ClinVar variation 850141 (VCV000850141.10), dbSNP rs1472639661, ClinGen allele CA391146997.

ClinVar aggregate classification (germline): Uncertain significance (1 of 4 stars; one submission).

Conditions:
Familial sleep-related hypermotor epilepsy. Also called: Autosomal Dominant Sleep-Related Hypermotor (Hyperkinetic) Epilepsy. Identifiers: Orphanet 98784, MedGen C3696898, MONDO:0000030.

Submission:

Labcorp Genetics (formerly Invitae), Labcorp
Classification: Uncertain significance for Familial sleep-related hypermotor epilepsy. Last evaluated: 2019-03-18. Review status: criteria provided, single submitter. Criteria: Invitae Variant Classification Sherloc (09022015). Collection method: clinical testing. Allele origin: germline.
Comment: The frequency data for this variant in the population databases is considered unreliable, as metrics indicate insufficient coverage at this position in the ExAC database. This sequence change replaces serine with tyrosine at codon 15 of the PRIMA1 protein (p.Ser15Tyr). The serine residue is weakly conserved and there is a large physicochemical difference between serine and tyrosine. This variant has not been reported in the literature in individuals with PRIMA1-related conditions. Algorithms developed to predict the effect of missense changes on protein structure and function are either unavailable or do not agree on the potential impact of this missense change (SIFT: "Deleterious"; PolyPhen-2: "Benign"; Align-GVGD: "Class C15"). In summary, the available evidence is currently insufficient to determine the role of this variant in disease. Therefore, it has been classified as a Variant of Uncertain Significance.